The following is an entry in ClinVar:

ClinVar aggregate classification (germline): Pathogenic (1 of 4 stars; one submission).

Conditions:
Mucopolysaccharidosis, MPS-II (MPS2). Also called: Hunter Syndrome; IDURONATE 2-SULFATASE DEFICIENCY; Mucopolysaccharidosis Type II; Mucopolysaccharidosis type 2; Attenuated MPS (subtype; formerly known as mild MPS II); Severe MPS II. Identifiers: Orphanet 580, Orphanet 79388, MedGen C0026705, MONDO:0010674, OMIM 309900.

Submission:

Laboratory of Diagnosis and Therapy of Lysosomal Disorders, University of Padova
Classification: Pathogenic for Mucopolysaccharidosis, MPS-II. Last evaluated: 2024-06-07. Review status: criteria provided, single submitter. Criteria: ACMG Guidelines, 2015. Collection method: literature only. Allele origin: germline. Affected: yes. Observed: 5 variant alleles.
Comment: Null variant (PVS1_VeryStrong), Prevalence of the variant significantly increased in affected individuals compared with controls (PS4_Supporting), Absent from controls (or at low frequency) in gnomAD database (PM2_Moderate), Patient’s phenotype or family history highly specific for the disease (PP4_Moderate)

Classification method: ACMG Guidelines [PMID:25741868] with modifications

Literature cited by the submitters: PubMed 28077157; PubMed 33960103.

NM_000202.8(IDS):c.326G>A (p.Trp109Ter)

Gene: IDS (iduronate 2-sulfatase; minus strand). Cytogenetic location: Xq28.
Variant type: single nucleotide variant.
Coding change: c.326G>A on transcript NM_000202.8 (MANE Select); coding-DNA position 326, G replaced by A.
Protein change: p.Trp109Ter; replaces tryptophan 109 with a stop codon.
Molecular consequence: nonsense. On other transcripts: non-coding transcript variant (1).
Genome position (GRCh38, 1-based): chrX:149,503,404, C>T on the plus strand (G>A on the coding strand, the complement: IDS is on the minus strand). VCF-style: chrX-149503404-C-T. GRCh37 (hg19) VCF-style: chrX-148584934-C-T.
Other names: c.56G>A, p.Trp19Ter (NM_001166550.4); c.326G>A, p.Trp109Ter (NM_006123.5); short protein forms W109*, W19*.
Identifiers: ClinVar variation 3255672 (VCV003255672.2).